The following is an entry in ClinVar:

NM_032108.4(SEMA6B):c.1592G>T (p.Gly531Val)

Gene: SEMA6B (semaphorin 6B; minus strand). Cytogenetic location: 19p13.3.
Variant type: single nucleotide variant.
Coding change: c.1592G>T on transcript NM_032108.4 (MANE Select); coding-DNA position 1592, G replaced by T.
Protein change: p.Gly531Val; replaces glycine 531 with valine.
Molecular consequence: missense variant.
Genome position (GRCh38, 1-based): chr19:4,548,036, C>A on the plus strand (G>T on the coding strand, the complement: SEMA6B is on the minus strand). VCF-style: chr19-4548036-C-A. GRCh37 (hg19) VCF-style: chr19-4548048-C-A.
Other names: short protein forms G531V.
Identifiers: ClinVar variation 3381668 (VCV003381668.1).

ClinVar aggregate classification (germline): Uncertain significance (1 of 4 stars; one submission).

Submission:

GeneDx
Classification: Uncertain significance. Last evaluated: 2024-05-21. Review status: criteria provided, single submitter. Criteria: GeneDx Variant Classification Process June 2021. Collection method: clinical testing. Allele origin: germline. Affected: yes.
Comment: Not observed at significant frequency in large population cohorts (gnomAD); In silico analysis supports a deleterious effect on splicing; In silico analysis supports that this missense variant has a deleterious effect on protein structure/function; Has not been previously published as pathogenic or benign to our knowledge